The following is an entry in ClinVar:

ClinVar aggregate classification (germline): Uncertain significance (1 of 4 stars; one submission).

Allele frequency attached by ClinVar (database versions not stated): TOPMed 0.00001; gnomAD 0.00001; gnomAD exomes 0.00001.
gnomAD v4.1: 6 of 1,613,816 alleles (0.00037%); highest among the groups gnomAD compares: Non-Finnish European, 0.00042%; no homozygotes.

Submission:

Labcorp Genetics (formerly Invitae), Labcorp
Classification: Uncertain significance. Last evaluated: 2024-10-15. Review status: criteria provided, single submitter. Criteria: Invitae Variant Classification Sherloc (09022015). Collection method: clinical testing. Allele origin: germline.
Comment: This sequence change replaces asparagine, which is neutral and polar, with serine, which is neutral and polar, at codon 211 of the COQ6 protein (p.Asn211Ser). This variant is present in population databases (no rsID available, gnomAD 0.0009%). This variant has not been reported in the literature in individuals affected with COQ6-related conditions. ClinVar contains an entry for this variant (Variation ID: 2178734). Invitae Evidence Modeling of protein sequence and biophysical properties (such as structural, functional, and spatial information, amino acid conservation, physicochemical variation, residue mobility, and thermodynamic stability) indicates that this missense variant is not expected to disrupt COQ6 protein function with a negative predictive value of 80%. In summary, the available evidence is currently insufficient to determine the role of this variant in disease. Therefore, it has been classified as a Variant of Uncertain Significance.

NM_182476.3(COQ6):c.632A>G (p.Asn211Ser)

Genes: COQ6 (coenzyme Q6, monooxygenase; plus strand), ENTPD5 (ectonucleoside triphosphate diphosphohydrolase 5; minus strand). Cytogenetic location: 14q24.3.
Variant type: single nucleotide variant.
Coding change: c.632A>G on transcript NM_182476.3 (MANE Select); coding-DNA position 632, A replaced by G.
Protein change: p.Asn211Ser; replaces asparagine 211 with serine.
Molecular consequence: missense variant. On other transcripts: 3 prime UTR variant (3), intron variant (2).
Genome position (GRCh38, 1-based): chr14:73,958,990, A>G. VCF-style: chr14-73958990-A-G. GRCh37 (hg19) VCF-style: chr14-74425693-A-G.
Other names: c.632A>G, p.Asn211Ser (NM_001425255.1, NM_001425256.1); c.467A>G, p.Asn156Ser (NM_001425257.1); c.557A>G, p.Asn186Ser (NM_001425258.1, NM_182480.3); c.407A>G, p.Asn136Ser (NM_001425259.1, NM_001425260.1, NM_001425261.1); c.377A>G, p.Asn126Ser (NM_001425262.1); c.305A>G, p.Asn102Ser (NM_001425263.1); c.92A>G, p.Asn31Ser (NM_001425264.1, NM_001425265.1); c.*540T>C (NM_001330189.2, NM_001382259.1, NM_001382260.1); and 2 more; short protein forms N186S, N211S.
Identifiers: ClinVar variation 2178734 (VCV002178734.2), dbSNP rs1319178278, ClinGen allele CA390375352.